The following is an entry in ClinVar:

NM_002878.4(RAD51D):c.481-4T>G

Genes: RAD51L3-RFFL (RAD51L3-RFFL readthrough; minus strand), RAD51D (RAD51 paralog D; minus strand). Cytogenetic location: 17q12.
Variant type: single nucleotide variant.
Coding change: c.481-4T>G on transcript NM_002878.4 (MANE Select); 4 bases into the intron before coding-DNA position 481, T replaced by G.
Molecular consequence: intron variant.
Genome position (GRCh38, 1-based): chr17:35,106,485, A>C on the plus strand (T>G on the coding strand, the complement: RAD51D is on the minus strand). VCF-style: chr17-35106485-A-C. GRCh37 (hg19) VCF-style: chr17-33433504-A-C.
Other names: c.145-4T>G (NM_133629.3); c.541-4T>G (NM_001142571.2).
Identifiers: ClinVar variation 231752 (VCV000231752.58), dbSNP rs876659339, ClinGen allele CA10580457.

ClinVar aggregate classification (germline): Conflicting classifications of pathogenicity. Review status: criteria provided, conflicting classifications (1 of 4 stars). 5 submissions from 5 submitters: Uncertain significance (2); Likely benign (3). Last evaluated 2025-05-14.

Conditions:
Hereditary cancer-predisposing syndrome. Also called: Neoplastic Syndromes, Hereditary; Tumor predisposition; Hereditary Cancer Syndrome; Hereditary neoplastic syndrome. Identifiers: Orphanet 140162, MedGen C0027672, MeSH D009386, MONDO:0015356.
Breast-ovarian cancer, familial, susceptibility to, 4. Identifiers: Orphanet 145, MedGen C3280345, MONDO:0013669, OMIM 614291.

Allele frequency attached by ClinVar (database versions not stated): gnomAD exomes below 0.00001.
gnomAD v4.1: 1 of 1,609,144 alleles (0.000062%); highest among the groups gnomAD compares: South Asian, 0.0011%; no homozygotes.

Submissions (5):

Labcorp Genetics (formerly Invitae), Labcorp
Classification: Likely benign for Breast-ovarian cancer, familial, susceptibility to, 4. Last evaluated: 2025-05-14. Review status: criteria provided, single submitter. Criteria: Invitae Variant Classification Sherloc (09022015). Collection method: clinical testing. Allele origin: germline.

Ambry Genetics
Classification: Likely benign for Hereditary cancer-predisposing syndrome. Last evaluated: 2023-08-09. Review status: criteria provided, single submitter. Criteria: Ambry Variant Classification Scheme 2023. Collection method: clinical testing. Allele origin: germline.

Sema4
Classification: Uncertain significance for Hereditary cancer-predisposing syndrome. Last evaluated: 2021-11-18. Review status: criteria provided, single submitter. Criteria: Sema4 Curation Guidelines. Collection method: curation. Allele origin: germline.
Comment: The RAD51D c.481-4T>G variant has not been reported in the literature to our knowledge. It was not observed in the large and broad cohorts of the Genome Aggregation Database, but has been reported in ClinVar (Variation ID 231752). In silico tools suggest the variant does not disrupt normal splicing, though these predictions have not been confirmed by functional studies. The evidence is insufficient to meet ACMG/AMP criteria for classifying the variant as benign or pathogenic. Thus, the clinical significance of this variant is currently uncertain.

Color Diagnostics, LLC DBA Color Health
Classification: Uncertain significance for Hereditary cancer-predisposing syndrome. Last evaluated: 2019-10-21. Review status: criteria provided, single submitter. Criteria: ACMG Guidelines, 2015. Collection method: clinical testing. Allele origin: germline.
Comment: This variant causes a T>G nucleotide substitution at the -4 position of intron 5 of the RAD51D gene. To our knowledge, functional studies have not been performed for this variant. This variant has not been reported in individuals affected with hereditary cancer in the literature. This variant has not been identified in the general population by the Genome Aggregation Database (gnomAD). The available evidence is insufficient to determine the role of this variant in disease conclusively. Therefore, this variant is classified as a Variant of Uncertain Significance.

GeneDx
Classification: Likely benign. Last evaluated: 2018-08-17. Review status: criteria provided, single submitter. Criteria: GeneDx Variant Classification Process June 2021. Collection method: clinical testing. Allele origin: germline. Affected: yes.